The following is an entry in ClinVar:

ClinVar aggregate classification (germline): Likely benign (1 of 4 stars; one submission).

Allele frequency attached by ClinVar (database versions not stated): gnomAD exomes 0.00003; ExAC 0.00009; 1000 Genomes Project 0.00579.

Submission:

CeGaT Center for Human Genetics Tuebingen
Classification: Likely benign. Last evaluated: 2026-04-01. Review status: criteria provided, single submitter. Criteria: CeGaT Center For Human Genetics Tuebingen Variant Classification Criteria Version 2. Collection method: clinical testing. Allele origin: germline. Affected: yes. Observed: 2 variant alleles.
Comment: AHNAK2: BP4, BP7

NM_138420.4(AHNAK2):c.4203G>T (p.Val1401=)

Gene: AHNAK2 (AHNAK nucleoprotein 2; minus strand). Cytogenetic location: 14q32.33.
Variant type: single nucleotide variant.
Coding change: c.4203G>T on transcript NM_138420.4 (MANE Select); coding-DNA position 4203, G replaced by T.
Protein change: p.Val1401=; no amino-acid change (valine 1401 retained).
Molecular consequence: synonymous variant.
Genome position (GRCh38, 1-based): chr14:104,951,248, C>A on the plus strand (G>T on the coding strand, the complement: AHNAK2 is on the minus strand). VCF-style: chr14-104951248-C-A. GRCh37 (hg19) VCF-style: chr14-105417585-C-A.
Other names: c.3903G>T, p.Val1301= (NM_001350929.2).
Identifiers: ClinVar variation 2644834 (VCV002644834.24), dbSNP rs574086426, ClinGen allele CA7382583.